The following is an entry in ClinVar:

NM_001004356.3(FGFRL1):c.850G>T (p.Val284Leu)

Gene: FGFRL1 (fibroblast growth factor receptor like 1; plus strand). Cytogenetic location: 4p16.3.
Variant type: single nucleotide variant.
Coding change: c.850G>T on transcript NM_001004356.3 (MANE Select); coding-DNA position 850, G replaced by T.
Protein change: p.Val284Leu; replaces valine 284 with leucine.
Molecular consequence: missense variant.
Genome position (GRCh38, 1-based): chr4:1,024,442, G>T. VCF-style: chr4-1024442-G-T. GRCh37 (hg19) VCF-style: chr4-1018230-G-T.
Other names: c.850G>T, p.Val284Leu (NM_001004358.1, NM_001370296.1, NM_021923.3); short protein forms V284L.
Identifiers: ClinVar variation 3695666 (VCV003695666.2).
Genomic context (GRCh38, chr4:1,024,442, plus strand): 5'-ACGTCCTTCCAGTGCAAGGTGCGCAGCGACGTGAAGCCGGTGATCCAGTGGCTGAAGCGC[G>T]TGGAGTACGGCGCCGAGGGCCGCCACAACTCCACCATCGATGTGGGCGGCCAGAAGTTTG-3'
Protein context (NP_001004356.1, residues 274-294): VKPVIQWLKR[Val284Leu]EYGAEGRHNS

ClinVar aggregate classification (germline): Uncertain significance (1 of 4 stars; one submission).

gnomAD v4.1: 42 of 1,612,448 alleles (0.0026%); highest among the groups gnomAD compares: Non-Finnish European, 0.0036%; no homozygotes.

Submission:

Labcorp Genetics (formerly Invitae), Labcorp
Classification: Uncertain significance. Last evaluated: 2024-04-18. Review status: criteria provided, single submitter. Criteria: Invitae Variant Classification Sherloc (09022015). Collection method: clinical testing. Allele origin: germline.
Comment: This sequence change replaces valine, which is neutral and non-polar, with leucine, which is neutral and non-polar, at codon 284 of the FGFRL1 protein (p.Val284Leu). This variant is present in population databases (rs376072293, gnomAD 0.003%). This variant has not been reported in the literature in individuals affected with FGFRL1-related conditions. An algorithm developed to predict the effect of missense changes on protein structure and function (PolyPhen-2) suggests that this variant is likely to be disruptive. In summary, the available evidence is currently insufficient to determine the role of this variant in disease. Therefore, it has been classified as a Variant of Uncertain Significance.